The following is an entry in ClinVar:

ClinVar aggregate classification (germline): Uncertain significance (1 of 4 stars; one submission).

Submission:

Labcorp Genetics (formerly Invitae), Labcorp
Classification: Uncertain significance. Last evaluated: 2024-11-11. Review status: criteria provided, single submitter. Criteria: Invitae Variant Classification Sherloc (09022015). Collection method: clinical testing. Allele origin: germline.
Comment: This sequence change creates a premature translational stop signal (p.Pro530Leufs*9) in the PPM1D gene. While this is not anticipated to result in nonsense mediated decay, it is expected to disrupt the last 76 amino acid(s) of the PPM1D protein. This variant is not present in population databases (gnomAD no frequency). This variant has not been reported in the literature in individuals affected with PPM1D-related conditions. ClinVar contains an entry for this variant (Variation ID: 1924542). Experimental studies and prediction algorithms are not available or were not evaluated, and the functional significance of this variant is currently unknown. In summary, the available evidence is currently insufficient to determine the role of this variant in disease. Therefore, it has been classified as a Variant of Uncertain Significance.

NM_003620.4(PPM1D):c.1589del (p.Pro530fs)

Gene: PPM1D (protein phosphatase, Mg2+/Mn2+ dependent 1D; plus strand). Cytogenetic location: 17q23.2.
Variant type: Deletion.
Coding change: c.1589del on transcript NM_003620.4 (MANE Select); coding-DNA position 1589, one base deleted (C; older notation c.1589delC).
Protein change: p.Pro530fs; shifts the reading frame from proline 530.
Molecular consequence: frameshift variant.
Genome position (GRCh38, 1-based): chr17:60,663,323, C deleted; the last of 4 consecutive C bases (chr17:60,663,320-60,663,323); deleting any one gives the same sequence. VCF-style (leftmost placement, unchanged base first): chr17-60663319-AC-A. GRCh37 (hg19) VCF-style: chr17-58740680-AC-A.
Other names: short protein forms P530fs.
Identifiers: ClinVar variation 1924542 (VCV001924542.5), dbSNP rs767459116, ClinGen allele CA2576343516.